The following is an entry in ClinVar:

ClinVar aggregate classification (germline): Uncertain significance (1 of 4 stars; one submission).

Conditions:
Apparent mineralocorticoid excess (AME). Also called: CORTISOL 11-BETA-KETOREDUCTASE DEFICIENCY. Identifiers: Orphanet 320, MedGen C0342488, MONDO:0009025, OMIM 218030.

Allele frequency attached by ClinVar (database versions not stated): gnomAD exomes below 0.00001.

Submission:

Neuberg Centre For Genomic Medicine, NCGM
Classification: Uncertain significance for Apparent mineralocorticoid excess. Last evaluated: 2023-02-14. Review status: criteria provided, single submitter. Criteria: ACMG Guidelines, 2015. Collection method: clinical testing. Allele origin: germline. Inheritance: Autosomal recessive inheritance. Affected: yes.
Comment: The missense c.745G>A (p.Glu249Lys) variant in HSD11B2 gene has not been reported previously as a pathogenic variant nor as a benign variant, to our knowledge. The p.Glu249Lys variant is novel (not in any individuals) in both gnomAD Exomes and 1000 Genomes databases. This variant has not been reported to the ClinVar database. The amino acid change p.Glu249Lys in HSD11B2 is predicted as conserved by GERP++ and PhyloP across 100 vertebrates. The amino acid Glu at position 249 is changed to a Lys changing protein sequence and it might alter its composition and physico-chemical properties. For these reasons, this variant has been classified as a Variant of Uncertain Significance (VUS).

NM_000196.4(HSD11B2):c.745G>A (p.Glu249Lys)

Gene: HSD11B2 (hydroxysteroid 11-beta dehydrogenase 2; plus strand). Cytogenetic location: 16q22.1.
Variant type: single nucleotide variant.
Coding change: c.745G>A on transcript NM_000196.4 (MANE Select); coding-DNA position 745, G replaced by A.
Protein change: p.Glu249Lys; replaces glutamic acid 249 with lysine.
Molecular consequence: missense variant.
Genome position (GRCh38, 1-based): chr16:67,436,329, G>A. VCF-style: chr16-67436329-G-A. GRCh37 (hg19) VCF-style: chr16-67470232-G-A.
Other names: short protein forms E249K.
Identifiers: ClinVar variation 2671761 (VCV002671761.1), dbSNP rs2508608397, ClinGen allele CA396280801.